The following is an entry in ClinVar:

NM_006947.4(SRP72):c.446C>A (p.Thr149Lys)

Gene: SRP72 (signal recognition particle 72; plus strand). Cytogenetic location: 4q12.
Variant type: single nucleotide variant.
Coding change: c.446C>A on transcript NM_006947.4 (MANE Select); coding-DNA position 446, C replaced by A.
Protein change: p.Thr149Lys; replaces threonine 149 with lysine.
Molecular consequence: missense variant. On other transcripts: non-coding transcript variant (1).
Genome position (GRCh38, 1-based): chr4:56,474,145, C>A. VCF-style: chr4-56474145-C-A. GRCh37 (hg19) VCF-style: chr4-57340311-C-A.
Other names: c.446C>A, p.Thr149Lys (NM_001267722.2); short protein forms T149K.
Identifiers: ClinVar variation 5030227 (VCV005030227.1).

ClinVar aggregate classification (germline): Uncertain significance (1 of 4 stars; one submission).

Submission:

Ambry Genetics
Classification: Uncertain significance. Last evaluated: 2026-07-09. Review status: criteria provided, single submitter. Criteria: Ambry Variant Classification Scheme 2023. Collection method: clinical testing. Allele origin: germline.
Comment: The p.T149K variant (also known as c.446C>A), located in coding exon 4 of the SRP72 gene, results from a C to A substitution at nucleotide position 446. The threonine at codon 149 is replaced by lysine, an amino acid with similar properties. This amino acid position is conserved. In addition, this alteration is predicted to be deleterious by in silico analysis. Based on the available evidence, the clinical significance of this variant remains unclear.